The following is an entry in ClinVar:

NM_002397.5(MEF2C):c.423C>G (p.Phe141Leu)

Gene: MEF2C (myocyte enhancer factor 2C; minus strand). Cytogenetic location: 5q14.3.
Variant type: single nucleotide variant.
Coding change: c.423C>G on transcript NM_002397.5 (MANE Select); coding-DNA position 423, C replaced by G.
Protein change: p.Phe141Leu; replaces phenylalanine 141 with leucine.
Molecular consequence: missense variant. On other transcripts: 5 prime UTR variant (1).
Genome position (GRCh38, 1-based): chr5:88,752,023, G>C on the plus strand (C>G on the coding strand, the complement: MEF2C is on the minus strand). VCF-style: chr5-88752023-G-C. GRCh37 (hg19) VCF-style: chr5-88047840-G-C.
Other names: c.279C>G, p.Phe93Leu (NM_001364332.2, NM_001193348.1, NM_001193349.3 and 3 more transcripts); c.423C>G, p.Phe141Leu (NM_001364333.2, NM_001364334.2, NM_001364335.2 and 18 more transcripts); c.477C>G, p.Phe159Leu (NM_001364338.2, NM_001193347.1); c.417C>G, p.Phe139Leu (NM_001131005.2, NM_001364343.2, NM_001364352.2); c.45C>G, p.Phe15Leu (NM_001364353.2, NM_001364356.2); c.-4C>G (NM_001364357.2); short protein forms F139L, F141L, F159L, F15L, F93L.
Identifiers: ClinVar variation 4086476 (VCV004086476.1).

ClinVar aggregate classification (germline): Uncertain significance (1 of 4 stars; one submission).

Submission:

GeneDx
Classification: Uncertain significance. Last evaluated: 2025-03-17. Review status: criteria provided, single submitter. Criteria: GeneDx Variant Classification Process June 2021. Collection method: clinical testing. Allele origin: germline. Affected: yes.
Comment: Not observed at significant frequency in large population cohorts (gnomAD); In silico analysis supports that this missense variant has a deleterious effect on protein structure/function; Has not been previously published as pathogenic or benign to our knowledge